The following is an entry in ClinVar:

NM_000397.4(CYBB):c.621C>T (p.Tyr207=)

Gene: CYBB (cytochrome b-245 beta chain; plus strand). Cytogenetic location: Xp21.1.
Variant type: single nucleotide variant.
Coding change: c.621C>T on transcript NM_000397.4 (MANE Select); coding-DNA position 621, C replaced by T.
Protein change: p.Tyr207=; no amino-acid change (tyrosine 207 retained).
Molecular consequence: synonymous variant.
Genome position (GRCh38, 1-based): chrX:37,796,088, C>T. VCF-style: chrX-37796088-C-T. GRCh37 (hg19) VCF-style: chrX-37655341-C-T.
Identifiers: ClinVar variation 1144847 (VCV001144847.10), dbSNP rs371655268, ClinGen allele CA10383764.
Genomic context (GRCh38, chrX:37,796,088, plus strand): 5'-ATTAATTATCACTTCCTCCACCAAAACCATCCGGAGGTCTTACTTTGAAGTCTTTTGGTA[C>T]ACACATCATCTCTTTGTGATCTTCTTCATTGGCCTTGCCATCCATGGAGCTGAGTGAGTG-3'
Protein context (NP_000388.2, residues 197-217): IRRSYFEVFW[Tyr207=]THHLFVIFFI

ClinVar aggregate classification (germline): Likely benign. Review status: criteria provided, multiple submitters, no conflicts (2 of 4 stars). 2 submissions from 2 submitters: Likely benign (2). Last evaluated 2025-09-02.

Conditions:
Granulomatous disease, chronic, X-linked. Also called: CYTOCHROME b-NEGATIVE GRANULOMATOUS DISEASE, CHRONIC, X-LINKED; GRANULOMATOUS DISEASE, CHRONIC, X-LINKED, SOMATIC MOSAIC. Identifiers: Orphanet 379, MedGen C1844376, MONDO:0010600, OMIM 306400.

Allele frequency attached by ClinVar (database versions not stated): ExAC 0.00001; TOPMed 0.00001; gnomAD 0.00002; gnomAD exomes 0.00002; ESP Exome Variant Server 0.00009.
gnomAD v4.1: 31 of 1,208,668 alleles (0.0026%); highest among the groups gnomAD compares: Non-Finnish European, 0.0031%; no homozygotes.

Submissions (2):

Labcorp Genetics (formerly Invitae), Labcorp
Classification: Likely benign for Granulomatous disease, chronic, X-linked. Last evaluated: 2025-09-02. Review status: criteria provided, single submitter. Criteria: Invitae Variant Classification Sherloc (09022015). Collection method: clinical testing. Allele origin: germline.

Women's Health and Genetics/Laboratory Corporation of America, LabCorp
Classification: Likely benign. Last evaluated: 2022-03-07. Review status: criteria provided, single submitter. Criteria: LabCorp Variant Classification Summary - May 2015. Collection method: clinical testing. Allele origin: germline.
Comment: Variant summary: CYBB c.621C>T alters a non-conserved nucleotide resulting in a synonymous change. 4/4 computational tools predict no significant impact on normal splicing. However, these predictions have yet to be confirmed by functional studies. The variant allele was found at a frequency of 1.8e-05 in 112100 control chromosomes (gnomAD v3, Genomes data). The available data on variant occurrences in the general population are insufficient to allow any conclusion about variant significance. To our knowledge, no occurrence of c.621C>T in individuals affected with X-Linked Chronic Granulomatous Disease and no experimental evidence demonstrating its impact on protein function have been reported. One clinical diagnostic laboratory has submitted clinical-significance assessments for this variant to ClinVar after 2014 without evidence for independent evaluation. One laboratory classified the variant as likely benign. Based on the evidence outlined above, the variant was classified as likely benign.